The following is an entry in ClinVar:

NM_005188.4(CBL):c.1688G>T (p.Arg563Leu)

Gene: CBL (Cbl proto-oncogene; plus strand). Cytogenetic location: 11q23.3.
Variant type: single nucleotide variant.
Coding change: c.1688G>T on transcript NM_005188.4 (MANE Select); coding-DNA position 1688, G replaced by T.
Protein change: p.Arg563Leu; replaces arginine 563 with leucine.
Molecular consequence: missense variant.
Genome position (GRCh38, 1-based): chr11:119,285,313, G>T. VCF-style: chr11-119285313-G-T. GRCh37 (hg19) VCF-style: chr11-119156023-G-T.
Other names: short protein forms R563L.
Identifiers: ClinVar variation 4219918 (VCV004219918.1).

ClinVar aggregate classification (germline): Uncertain significance (1 of 4 stars; one submission).

Conditions:
Cardiovascular phenotype. Identifiers: MedGen CN230736.

gnomAD v4.1: 1 of 1,613,992 alleles (0.000062%); highest among the groups gnomAD compares: Non-Finnish European, 0.000085%; no homozygotes.

Submission:

Ambry Genetics
Classification: Uncertain significance for Cardiovascular phenotype. Last evaluated: 2025-08-30. Review status: criteria provided, single submitter. Criteria: Ambry Variant Classification Scheme 2023. Collection method: clinical testing. Allele origin: germline.
Comment: The p.R563L variant (also known as c.1688G>T), located in coding exon 11 of the CBL gene, results from a G to T substitution at nucleotide position 1688. The arginine at codon 563 is replaced by leucine, an amino acid with dissimilar properties. This amino acid position is conserved. In addition, this alteration is predicted to be deleterious by in silico analysis. Based on the available evidence, the clinical significance of this variant remains unclear.